The following is an entry in ClinVar:

NM_021224.6(ZNF462):c.709A>T (p.Thr237Ser)

Gene: ZNF462 (zinc finger protein 462; plus strand). Cytogenetic location: 9q31.2.
Variant type: single nucleotide variant.
Coding change: c.709A>T on transcript NM_021224.6 (MANE Select); coding-DNA position 709, A replaced by T.
Protein change: p.Thr237Ser; replaces threonine 237 with serine.
Molecular consequence: missense variant.
Genome position (GRCh38, 1-based): chr9:106,924,621, A>T. VCF-style: chr9-106924621-A-T. GRCh37 (hg19) VCF-style: chr9-109686902-A-T.
Other names: c.709A>T, p.Thr237Ser (NM_001347997.2); short protein forms T237S.
Identifiers: ClinVar variation 4082746 (VCV004082746.1).

ClinVar aggregate classification (germline): Uncertain significance (1 of 4 stars; one submission).

Submission:

GeneDx
Classification: Uncertain significance. Last evaluated: 2025-03-03. Review status: criteria provided, single submitter. Criteria: GeneDx Variant Classification Process June 2021. Collection method: clinical testing. Allele origin: germline. Affected: yes.
Comment: Not observed at significant frequency in large population cohorts (gnomAD); In silico analysis indicates that this missense variant does not alter protein structure/function; Has not been previously published as pathogenic or benign to our knowledge